The following is an entry in ClinVar:

NM_001267550.2(TTN):c.49770G>C (p.Met16590Ile)

Genes: TTN (titin; minus strand), TTN-AS1 (TTN antisense RNA 1; plus strand). Cytogenetic location: 2q31.2.
Variant type: single nucleotide variant.
Coding change: c.49770G>C on transcript NM_001267550.2 (MANE Select); coding-DNA position 49770, G replaced by C.
Protein change: p.Met16590Ile; replaces methionine 16590 with isoleucine.
Molecular consequence: missense variant.
Genome position (GRCh38, 1-based): chr2:178,612,951, C>G on the plus strand (G>C on the coding strand, the complement: TTN is on the minus strand). VCF-style: chr2-178612951-C-G. GRCh37 (hg19) VCF-style: chr2-179477678-C-G.
Other names: c.44847G>C, p.Met14949Ile (NM_001256850.1); c.22575G>C, p.Met7525Ile (NM_003319.4); c.42066G>C, p.Met14022Ile (NM_133378.4); c.22950G>C, p.Met7650Ile (NM_133432.3); c.23151G>C, p.Met7717Ile (NM_133437.4); short protein forms M14949I, M16590I, M14022I, M7717I, M7525I, M7650I.
Identifiers: ClinVar variation 626681 (VCV000626681.7), dbSNP rs774495753, ClinGen allele CA1994517.

ClinVar aggregate classification (germline): Conflicting classifications of pathogenicity. Review status: criteria provided, conflicting classifications (1 of 4 stars). 5 submissions from 5 submitters: Uncertain significance (4); Likely benign (1). Last evaluated 2026-03-27.

Conditions:
Cardiomyopathy (CMYO). Also called: Cardiomyopathies. Identifiers: Orphanet 167848, MedGen C0878544, MONDO:0004994, HP:0001638. Inheritance: Various modes of inheritance.
Cardiovascular phenotype. Identifiers: MedGen CN230736.
Hypertrophic cardiomyopathy 9. Also called: Familial hypertrophic cardiomyopathy 9. Identifiers: MedGen C1861065, MONDO:0013412, OMIM 613765.
Autosomal recessive limb-girdle muscular dystrophy type 2J (LGMDR10). Also called: Limb-girdle muscular dystrophy, type 2J; MUSCULAR DYSTROPHY, LIMB-GIRDLE, AUTOSOMAL RECESSIVE 10. Identifiers: Orphanet 140922, MedGen C1837342, MONDO:0012127, OMIM 608807.
Dilated cardiomyopathy 1G (CMD1G). Identifiers: Orphanet 154, MedGen C1858763, MONDO:0011400, OMIM 604145.
Tibial muscular dystrophy (TMD). Also called: Tibial muscular dystrophy, tardive; Udd Distal Myopathy – Tibial Muscular Dystrophy; UDD MYOPATHY. Identifiers: Orphanet 609, MedGen C1838244, MONDO:0010870, OMIM 600334.
Myopathy, myofibrillar, 9, with early respiratory failure (MFM9). Also called: Hereditary myopathy with early respiratory failure; Myopathy, distal, with early respiratory failure, autosomal dominant; EDSTROM MYOPATHY; MYOPATHY, PROXIMAL, WITH EARLY RESPIRATORY MUSCLE INVOLVEMENT. Identifiers: Orphanet 178464, Orphanet 34521, MedGen C1863599, MONDO:0011362, OMIM 603689.
Early-onset myopathy with fatal cardiomyopathy (CMYO5). Also called: Salih Myopathy; CONGENITAL MYOPATHY 5 WITH CARDIOMYOPATHY. Identifiers: Orphanet 289377, MedGen C2673677, MONDO:0012714, OMIM 611705. Disease mechanism: loss of function.

Allele frequency attached by ClinVar (database versions not stated): ExAC 0.00001; gnomAD 0.00001; gnomAD exomes 0.00001 and 0.00002; TOPMed 0.00002.

Submissions (5):

Molecular Diagnostic Laboratory for Inherited Cardiovascular Disease, Montreal Heart Institute
Classification: Likely benign. Last evaluated: 2026-03-27. Review status: criteria provided, single submitter. Criteria: ACMG Guidelines, 2015. Collection method: clinical testing. Allele origin: germline. Affected: no.

Women's Health and Genetics/Laboratory Corporation of America, LabCorp
Classification: Uncertain significance. Last evaluated: 2026-01-12. Review status: criteria provided, single submitter. Criteria: LabCorp Variant Classification Summary - May 2015. Collection method: clinical testing. Allele origin: germline.
Comment: Variant summary: TTN c.42066G>C (p.Met14022Ile) results in a conservative amino acid change in the encoded protein sequence. Algorithms developed to predict the effect of missense changes on protein structure and function are either unavailable or do not agree on the potential impact of this missense change. The variant allele was found at a frequency of 1.2e-05 in 248088 control chromosomes. The available data on variant occurrences in the general population are insufficient to allow any conclusion about variant significance. c.42066G>C has been observed in a cohort of individuals affected with inherited skeletal muscle diseases including muscular dystrophies and congential myopathies, however no further clinical or genotype information was provided (Savarese_2020). This report does not provide unequivocal conclusions about association of the variant with TTN-related conditions. To our knowledge, no experimental evidence demonstrating an impact on protein function has been reported. The following publication has been ascertained in the context of this evaluation (PMID: 32039858). ClinVar contains an entry for this variant (Variation ID: 626681). Based on the evidence outlined above, the variant was classified as uncertain significance.

Fulgent Genetics
Classification: Uncertain significance for Tibial muscular dystrophy; Myopathy, myofibrillar, 9, with early respiratory failure; Dilated cardiomyopathy 1G; Autosomal recessive limb-girdle muscular dystrophy type 2J; Early-onset myopathy with fatal cardiomyopathy; Hypertrophic cardiomyopathy 9. Last evaluated: 2021-09-14. Review status: criteria provided, single submitter. Criteria: ACMG Guidelines, 2015. Collection method: clinical testing. Allele origin: unknown.

Ambry Genetics
Classification: Uncertain significance for Cardiovascular phenotype. Last evaluated: 2019-06-07. Review status: criteria provided, single submitter. Criteria: Ambry Variant Classification Scheme 2023. Collection method: clinical testing. Allele origin: germline.
Comment: The p.M7525I variant (also known as c.22575G>C), located in coding exon 92 of the TTN gene, results from a G to C substitution at nucleotide position 22575. The methionine at codon 7525 is replaced by isoleucine, an amino acid with highly similar properties. This amino acid position is not well conserved in available vertebrate species. In addition, this alteration is predicted to be tolerated by in silico analysis. Since supporting evidence is limited at this time, the clinical significance of this alteration remains unclear.

CHEO Genetics Diagnostic Laboratory, Children's Hospital of Eastern Ontario
Classification: Uncertain significance for Cardiomyopathy. Last evaluated: 2016-04-01. Review status: criteria provided, single submitter. Criteria: ACMG Guidelines, 2015. Collection method: clinical testing. Allele origin: germline. Study: Canadian Open Genetics Repository.

Literature cited by the submitters: PubMed 32039858 (cited by Women's Health and Genetics/Laboratory Corporation of America, LabCorp).